The following is an entry in ClinVar:

ClinVar aggregate classification (germline): Uncertain significance. Review status: criteria provided, multiple submitters, no conflicts (2 of 4 stars). 2 submissions from 2 submitters: Uncertain significance (2). Last evaluated 2022-09-01.

Submissions (2):

Labcorp Genetics (formerly Invitae), Labcorp
Classification: Uncertain significance. Last evaluated: 2022-09-01. Review status: criteria provided, single submitter. Criteria: Invitae Variant Classification Sherloc (09022015). Collection method: clinical testing. Allele origin: germline.
Comment: This sequence change replaces cysteine, which is neutral and slightly polar, with tyrosine, which is neutral and polar, at codon 244 of the GRM6 protein (p.Cys244Tyr). In summary, the available evidence is currently insufficient to determine the role of this variant in disease. Therefore, it has been classified as a Variant of Uncertain Significance. This variant has not been reported in the literature in individuals affected with GRM6-related conditions. ClinVar contains an entry for this variant (Variation ID: 1360326). Advanced modeling of protein sequence and biophysical properties (such as structural, functional, and spatial information, amino acid conservation, physicochemical variation, residue mobility, and thermodynamic stability) performed at Invitae indicates that this missense variant is expected to disrupt GRM6 protein function. This variant is not present in population databases (gnomAD no frequency).

Blueprint Genetics
Classification: Uncertain significance. Last evaluated: 2017-09-23. Review status: criteria provided, single submitter. Criteria: ACMG Guidelines, 2015. Collection method: clinical testing. Allele origin: germline.

NM_000843.4(GRM6):c.731G>A (p.Cys244Tyr)

Gene: GRM6 (glutamate metabotropic receptor 6; minus strand). Cytogenetic location: 5q35.3.
Variant type: single nucleotide variant.
Coding change: c.731G>A on transcript NM_000843.4 (MANE Select); coding-DNA position 731, G replaced by A.
Protein change: p.Cys244Tyr; replaces cysteine 244 with tyrosine.
Molecular consequence: missense variant.
Genome position (GRCh38, 1-based): chr5:178,991,550, C>T on the plus strand (G>A on the coding strand, the complement: GRM6 is on the minus strand). VCF-style: chr5-178991550-C-T. GRCh37 (hg19) VCF-style: chr5-178418551-C-T.
Other names: short protein forms C244Y.
Identifiers: ClinVar variation 1360326 (VCV001360326.9), dbSNP rs2113342234, ClinGen allele CA362433359.
Genomic context (GRCh38, chr5:178,991,550, plus strand): 5'-ATCACCTTGCTGAACTCTCCTGGCTTTGGTTCCCTGGGAATCTTGATAGACTGGGCAATA[C>T]AGACCCCCCCTGGGCGTTGGGGGTGCCAGAGTCAGCTTCCGTCCCACCCACCCACACACC-3'
Protein context (NP_000834.2, residues 234-254): VQISREAGGV[Cys244Tyr]IAQSIKIPRE